The following is an entry in ClinVar:

ClinVar aggregate classification (germline): Uncertain significance. Review status: criteria provided, multiple submitters, no conflicts (2 of 4 stars). 2 submissions from 2 submitters: Uncertain significance (2). Last evaluated 2025-06-20.

Conditions:
Dilated cardiomyopathy 1G (CMD1G). Identifiers: Orphanet 154, MedGen C1858763, MONDO:0011400, OMIM 604145.
Autosomal recessive limb-girdle muscular dystrophy type 2J (LGMDR10). Also called: Limb-girdle muscular dystrophy, type 2J; MUSCULAR DYSTROPHY, LIMB-GIRDLE, AUTOSOMAL RECESSIVE 10. Identifiers: Orphanet 140922, MedGen C1837342, MONDO:0012127, OMIM 608807.

Allele frequency attached by ClinVar (database versions not stated): gnomAD exomes 0.00001; ExAC 0.00002; gnomAD 0.00002; TOPMed 0.00002.
gnomAD v4.1: 3 of 1,613,752 alleles (0.00019%); highest among the groups gnomAD compares: African/African-American, 0.004%; no homozygotes.

Submissions (2):

Labcorp Genetics (formerly Invitae), Labcorp
Classification: Uncertain significance for Dilated cardiomyopathy 1G; Autosomal recessive limb-girdle muscular dystrophy type 2J. Last evaluated: 2025-06-20. Review status: criteria provided, single submitter. Criteria: Invitae Variant Classification Sherloc (09022015). Collection method: clinical testing. Allele origin: germline.
Comment: This sequence change replaces arginine, which is basic and polar, with lysine, which is basic and polar, at codon 31771 of the TTN protein (p.Arg31771Lys). This variant is present in population databases (rs397517760, gnomAD 0.01%). This variant has not been reported in the literature in individuals affected with TTN-related conditions. ClinVar contains an entry for this variant (Variation ID: 47556). An algorithm developed to predict the effect of missense changes on protein structure and function outputs the following: PolyPhen-2: "Not Available". The lysine amino acid residue is found in multiple mammalian species, which suggests that this missense change does not adversely affect protein function. This variant is located in the A band of TTN (PMID: 25589632). Variants in this region may be relevant for cardiac or neuromuscular disorders (PMID: 25589632, 23975875). In summary, the available evidence is currently insufficient to determine the role of this variant in disease. Therefore, it has been classified as a Variant of Uncertain Significance.

Laboratory for Molecular Medicine, Mass General Brigham Personalized Medicine
Classification: Uncertain significance. Last evaluated: 2012-01-09. Review status: criteria provided, single submitter. Criteria: LMM Criteria. Collection method: clinical testing. Allele origin: germline. Observed: 1 variant allele.
Comment: Variant classified as Uncertain Significance - Favor Benign. The Arg29203Lys var iant (TTN) has not been reported in the literature nor previously identified by our laboratory. Arginine (Arg) at position 29203 is not conserved in mammals or lower species, with several species carrying a lysine (Lys; this variant), incre asing the likelihood that a change would be tolerated. Computational tools (Alig nGVGD, SIFT) predict that a change to lysine would not impact the protein, thoug h the accuracy of these tools is unknown. Although this data suggests that the A rg29203Lys variant may be benign, additional information is needed to fully asse ss its clinical significance.

Literature cited by the submitters: PubMed 25589632 (cited by Labcorp Genetics (formerly Invitae), Labcorp); PubMed 23975875 (cited by Labcorp Genetics (formerly Invitae), Labcorp).

NM_001267550.2(TTN):c.95312G>A (p.Arg31771Lys)

Genes: TTN-AS1 (TTN antisense RNA 1; plus strand), TTN (titin; minus strand). Cytogenetic location: 2q31.2.
Variant type: single nucleotide variant.
Coding change: c.95312G>A on transcript NM_001267550.2 (MANE Select); coding-DNA position 95312, G replaced by A.
Protein change: p.Arg31771Lys; replaces arginine 31771 with lysine.
Molecular consequence: missense variant.
Genome position (GRCh38, 1-based): chr2:178,545,924, C>T on the plus strand (G>A on the coding strand, the complement: TTN is on the minus strand). VCF-style: chr2-178545924-C-T. GRCh37 (hg19) VCF-style: chr2-179410651-C-T.
Other names: c.90389G>A, p.Arg30130Lys (NM_001256850.1); c.68117G>A, p.Arg22706Lys (NM_003319.4); c.68492G>A, p.Arg22831Lys (NM_133432.3); c.68693G>A, p.Arg22898Lys (NM_133437.4); c.87608G>A, p.Arg29203Lys (NM_133378.4); short protein forms R31771K, R29203K, R22898K, R22831K, R30130K, R22706K.
Identifiers: ClinVar variation 47556 (VCV000047556.10), dbSNP rs397517760, ClinGen allele CA141337.